The following is an entry in ClinVar:

NM_000179.3(MSH6):c.3601_3620del (p.Leu1201fs)

Gene: MSH6 (mutS homolog 6; plus strand). Cytogenetic location: 2p16.3.
Variant type: Deletion.
Coding change: c.3601_3620del on transcript NM_000179.3 (MANE Select); coding-DNA positions 3601 to 3620, 20 bases deleted (CTCATGCATGCAACAGCACA).
Protein change: p.Leu1201fs; shifts the reading frame from leucine 1201.
Molecular consequence: frameshift variant. On other transcripts: non-coding transcript variant (5).
Genome position (GRCh38, 1-based): chr2:47,805,662-47,805,681, CTCATGCATGCAACAGCACA deleted; deleting any 20 consecutive bases within chr2:47,805,661-47,805,681 gives the same sequence; the c. name uses the placement nearest the transcript's 3' end. VCF-style (leftmost placement, unchanged base first): chr2-47805660-TACTCATGCATGCAACAGCAC-T. GRCh37 (hg19) VCF-style: chr2-48032799-TACTCATGCATGCAACAGCAC-T.
Other names: c.3211_3230del, p.Leu1071fs (NM_001281492.2); c.2695_2714del, p.Leu899fs (NM_001281493.2, NM_001281494.2, NM_001406811.1 and 6 more transcripts); c.3697_3716del, p.Leu1233fs (NM_001406795.1, NM_001406802.1); c.3601_3620del, p.Leu1201fs (NM_001406796.1, NM_001406800.1, NM_001406808.1 and 1 more transcripts); c.3304_3323del, p.Leu1102fs (NM_001406801.1, NM_001406797.1, NM_001406805.1 and 10 more transcripts); c.2737_2756del, p.Leu913fs (NM_001406803.1); c.3076_3095del, p.Leu1026fs (NM_001406799.1, NM_001406806.1, NM_001406807.1); c.3427_3446del, p.Leu1143fs (NM_001406798.1); and 7 more; short protein forms L1026fs, L1071fs, L1102fs, L1143fs, L1145fs, L1175fs, L1201fs, L1203fs.
Identifiers: ClinVar variation 2673733 (VCV002673733.1), dbSNP rs2530823685, ClinGen allele CA2695200580.

ClinVar aggregate classification (germline): Pathogenic (1 of 4 stars; one submission).

Conditions:
Lynch syndrome 5 (LYNCH5). Also called: Colorectal cancer, hereditary nonpolyposis, type 5; Hereditary non-polyposis colorectal cancer, type 5. Identifiers: Orphanet 144, MedGen C1833477, MONDO:0013710, OMIM 614350. Disease mechanism: loss of function.

Submission:

Myriad Genetics, Inc.
Classification: Pathogenic for Lynch syndrome 5. Last evaluated: 2023-08-24. Review status: criteria provided, single submitter. Criteria: Myriad Autosomal Dominant, Autosomal Recessive and X-Linked Classification Criteria (2023). Collection method: clinical testing. Allele origin: unknown.
Comment: This variant is considered pathogenic. This variant creates a frameshift predicted to result in premature protein truncation.